The following is an entry in ClinVar:

ClinVar aggregate classification (germline): Conflicting classifications of pathogenicity. Review status: criteria provided, conflicting classifications (1 of 4 stars). 2 submissions from 2 submitters: Uncertain significance (1); Likely benign (1). Last evaluated 2024-11-26.

Conditions:
Hereditary cancer-predisposing syndrome. Also called: Hereditary Cancer Syndrome; Hereditary neoplastic syndrome; Tumor predisposition; Neoplastic Syndromes, Hereditary. Identifiers: Orphanet 140162, MedGen C0027672, MeSH D009386, MONDO:0015356.

Submissions (2):

Color Diagnostics, LLC DBA Color Health
Classification: Likely benign for Hereditary cancer-predisposing syndrome. Last evaluated: 2024-11-26. Review status: criteria provided, single submitter. Criteria: ACMG Guidelines, 2015. Collection method: clinical testing. Allele origin: germline.

Quest Diagnostics Nichols Institute San Juan Capistrano
Classification: Uncertain significance. Last evaluated: 2024-11-20. Review status: criteria provided, single submitter. Criteria: Quest Diagnostics criteria. Collection method: clinical testing. Allele origin: unknown.
Comment: The MUTYH c.158-7T>C variant has not been reported in individuals with MUTYH-related conditions in the published literature. It also has not been reported in large, multi-ethnic general populations (Genome Aggregation Database). Analysis of this variant using software algorithms for the prediction of the effect of nucleotide changes on splicing yielded predictions that this variant does not affect MUTYH mRNA splicing. Based on the available information, we are unable to determine the clinical significance of this variant.

NM_001048174.2(MUTYH):c.116-49T>C

Gene: MUTYH (mutY DNA glycosylase; minus strand). Cytogenetic location: 1p34.1.
Variant type: single nucleotide variant.
Coding change: c.116-49T>C on transcript NM_001048174.2 (MANE Select); 49 bases into the intron before coding-DNA position 116, T replaced by C.
Molecular consequence: intron variant. On other transcripts: 5 prime UTR variant (1).
Genome position (GRCh38, 1-based): chr1:45,333,610, A>G on the plus strand (T>C on the coding strand, the complement: MUTYH is on the minus strand). VCF-style: chr1-45333610-A-G. GRCh37 (hg19) VCF-style: chr1-45799282-A-G.
Other names: c.-18T>C (NM_001407075.1); c.116-49T>C (NM_001407072.1, NM_001048171.2, NM_001407070.1 and 6 more transcripts); c.-92-113T>C (NM_001350651.2, NM_001407082.1); c.-97-113T>C (NM_001293192.2, NM_001293196.2, NM_001407091.1); c.-156-49T>C (NM_001350650.2); c.158-49T>C (NM_001407073.1); c.158-46T>C (NM_001293190.2); c.158-16T>C (NM_001407069.1, NM_012222.3); and 5 more.
Identifiers: ClinVar variation 3572204 (VCV003572204.2).